The following is an entry in ClinVar:

ClinVar aggregate classification (germline): Uncertain significance (1 of 4 stars; one submission).

Conditions:
Immunodeficiency 25. Also called: Immunodeficiency due to defect in cd3-zeta, somatic. Identifiers: MedGen C1857798, MONDO:0012426, OMIM 610163.

Allele frequency attached by ClinVar (database versions not stated): gnomAD exomes below 0.00001.
gnomAD v4.1: 2 of 1,614,178 alleles (0.00012%); highest among the groups gnomAD compares: Non-Finnish European, 0.00017%; no homozygotes.

Submission:

Labcorp Genetics (formerly Invitae), Labcorp
Classification: Uncertain significance for Immunodeficiency 25. Last evaluated: 2024-11-05. Review status: criteria provided, single submitter. Criteria: Invitae Variant Classification Sherloc (09022015). Collection method: clinical testing. Allele origin: germline.
Comment: This sequence change replaces aspartic acid, which is acidic and polar, with glycine, which is neutral and non-polar, at codon 117 of the CD247 protein (p.Asp117Gly). This variant is not present in population databases (gnomAD no frequency). This variant has not been reported in the literature in individuals affected with CD247-related conditions. ClinVar contains an entry for this variant (Variation ID: 1064375). An algorithm developed to predict the effect of missense changes on protein structure and function (PolyPhen-2) suggests that this variant is likely to be disruptive. Algorithms developed to predict the effect of sequence changes on RNA splicing suggest that this variant may disrupt the consensus splice site. In summary, the available evidence is currently insufficient to determine the role of this variant in disease. Therefore, it has been classified as a Variant of Uncertain Significance.

NM_198053.3(CD247):c.350A>G (p.Asp117Gly)

Gene: CD247 (CD247 molecule; minus strand). Cytogenetic location: 1q24.2.
Variant type: single nucleotide variant.
Coding change: c.350A>G on transcript NM_198053.3 (MANE Select); coding-DNA position 350, A replaced by G.
Protein change: p.Asp117Gly; replaces aspartic acid 117 with glycine.
Molecular consequence: missense variant.
Genome position (GRCh38, 1-based): chr1:167,434,063, T>C on the plus strand (A>G on the coding strand, the complement: CD247 is on the minus strand). VCF-style: chr1-167434063-T-C. GRCh37 (hg19) VCF-style: chr1-167403300-T-C.
Other names: c.347A>G, p.Asp116Gly (NM_000734.4); c.443A>G, p.Asp148Gly (NM_001378515.1); c.440A>G, p.Asp147Gly (NM_001378516.1); short protein forms D116G, D117G, D147G, D148G.
Identifiers: ClinVar variation 1064375 (VCV001064375.5), dbSNP rs2101986573, ClinGen allele CA343462024.
Genomic context (GRCh38, chr1:167,434,063, plus strand): 5'-GAAACAGCAACACTCACCTCGCCTTTCATCCCAATCTCACTGTAGGCCTCCGCCATCTTA[T>C]CTTTCTGCAGTTCCTGCAGAAGAGGGCGTGGAACACTGATTTTTACCAACTAATGCAGAA-3'
Protein context (NP_932170.1, residues 107-127): QEGLYNELQK[Asp117Gly]KMAEAYSEIG